The following is an entry in ClinVar:

NM_015046.7(SETX):c.*1148T>G

Gene: SETX (senataxin; minus strand). Cytogenetic location: 9q34.13.
Variant type: single nucleotide variant.
Coding change: c.*1148T>G on transcript NM_015046.7 (MANE Select); 1148 bases downstream of the stop codon, T replaced by G.
Molecular consequence: 3 prime UTR variant.
Genome position (GRCh38, 1-based): chr9:132,263,091, A>C on the plus strand (T>G on the coding strand, the complement: SETX is on the minus strand). VCF-style: chr9-132263091-A-C. GRCh37 (hg19) VCF-style: chr9-135138478-A-C.
Other names: c.*1148T>G (NM_001351527.2, NM_001351528.2).
Identifiers: ClinVar variation 913038 (VCV000913038.4), dbSNP rs138991890, ClinGen allele CA200792847.

ClinVar aggregate classification (germline): Benign. Review status: criteria provided, single submitter (1 of 4 stars). 2 submissions from 1 submitter: Benign (2). Last evaluated 2017-04-27.

Conditions:
Amyotrophic lateral sclerosis type 4 (ALS4). Also called: AMYOTROPHIC LATERAL SCLEROSIS 4, JUVENILE; NEURONOPATHY, DISTAL HEREDITARY MOTOR, WITH PYRAMIDAL FEATURES. Identifiers: Orphanet 357043, MedGen C1865409, MONDO:0011223, OMIM 602433.
Spinocerebellar ataxia, autosomal recessive, with axonal neuropathy 2 (SCAN2). Also called: ATAXIA-OCULOMOTOR APRAXIA 2; Ataxia-ocular apraxia-2; Ataxia with Oculomotor Apraxia; Ataxia with Oculomotor Apraxia Type 2. Identifiers: Orphanet 64753, MedGen C1853761, MONDO:0018996, OMIM 606002.

Allele frequency attached by ClinVar (database versions not stated): 1000 Genomes Project 30x 0.00094; 1000 Genomes Project 0.00120; TOPMed 0.00139.

Submissions (2):

Illumina Laboratory Services, Illumina
Classification: Benign for Spinocerebellar ataxia, autosomal recessive, with axonal neuropathy 2. Last evaluated: 2017-04-27. Review status: criteria provided, single submitter. Criteria: ICSL Variant Classification Criteria 13 December 2019. Collection method: clinical testing. Allele origin: germline.
Comment: This variant was observed as part of a predisposition screen in an ostensibly healthy population. A literature search was performed for the gene, cDNA change, and amino acid change (where applicable). No publications were found based on this search. Allele frequency data from public databases was too high to be consistent with this variant causing disease. Therefore, this variant is classified as benign.

Illumina Laboratory Services, Illumina
Classification: Benign for Amyotrophic lateral sclerosis type 4. Last evaluated: 2017-04-27. Review status: criteria provided, single submitter. Criteria: ICSL Variant Classification Criteria 13 December 2019. Collection method: clinical testing. Allele origin: germline.
Comment: the same text as in the submission from Illumina Laboratory Services, Illumina above.